The following is an entry in ClinVar:

NM_004260.4(RECQL4):c.1562G>A (p.Arg521Gln)

Gene: RECQL4 (RecQ like helicase 4; minus strand). Cytogenetic location: 8q24.3.
Variant type: single nucleotide variant.
Coding change: c.1562G>A on transcript NM_004260.4 (MANE Select); coding-DNA position 1562, G replaced by A.
Protein change: p.Arg521Gln; replaces arginine 521 with glutamine.
Molecular consequence: missense variant.
Genome position (GRCh38, 1-based): chr8:144,514,994, C>T on the plus strand (G>A on the coding strand, the complement: RECQL4 is on the minus strand). VCF-style: chr8-144514994-C-T. GRCh37 (hg19) VCF-style: chr8-145740378-C-T.
Other names: short protein forms R521Q.
Identifiers: ClinVar variation 1051875 (VCV001051875.8), dbSNP rs747019774, ClinGen allele CA4948801.
Genomic context (GRCh38, chr8:144,514,994, plus strand): 5'-ACCTGGTCATCCATGAGTGACAGCAGGGGAGAGACGACCAACGTGAGGCAGGGGCTGCGC[C>T]GGCTGTAGAGCAGCGCTGGGAGCTGGTAGCACAGGGACTTGCCGGCACCTGTAGGCAGCA-3'
Protein context (NP_004251.4, residues 511-531): CYQLPALLYS[Arg521Gln]RSPCLTLVVS

ClinVar aggregate classification (germline): Conflicting classifications of pathogenicity. Review status: criteria provided, conflicting classifications (1 of 4 stars). 4 submissions from 4 submitters: Uncertain significance (3); Likely benign (1). Last evaluated 2025-01-30.

Conditions:
Inborn genetic diseases. Identifiers: MedGen C0950123, MeSH D030342.
Baller-Gerold syndrome (BGS). Also called: CRANIOSYNOSTOSIS WITH RADIAL DEFECTS. Identifiers: Orphanet 1225, MedGen C0265308, MONDO:0009039, OMIM 218600.

Allele frequency attached by ClinVar (database versions not stated): TOPMed below 0.00001; ExAC 0.00001; gnomAD exomes 0.00001.
gnomAD v4.1: 11 of 1,611,486 alleles (0.00068%); highest among the groups gnomAD compares: Admixed American, 0.0017%; no homozygotes.

Submissions (4):

Labcorp Genetics (formerly Invitae), Labcorp
Classification: Uncertain significance for Baller-Gerold syndrome. Last evaluated: 2025-01-30. Review status: criteria provided, single submitter. Criteria: Invitae Variant Classification Sherloc (09022015). Collection method: clinical testing. Allele origin: germline.
Comment: This sequence change replaces arginine, which is basic and polar, with glutamine, which is neutral and polar, at codon 521 of the RECQL4 protein (p.Arg521Gln). This variant is present in population databases (rs747019774, gnomAD 0.005%). This variant has not been reported in the literature in individuals affected with RECQL4-related conditions. ClinVar contains an entry for this variant (Variation ID: 1051875). Invitae Evidence Modeling of protein sequence and biophysical properties (such as structural, functional, and spatial information, amino acid conservation, physicochemical variation, residue mobility, and thermodynamic stability) indicates that this missense variant is not expected to disrupt RECQL4 protein function with a negative predictive value of 80%. In summary, the available evidence is currently insufficient to determine the role of this variant in disease. Therefore, it has been classified as a Variant of Uncertain Significance.

Ambry Genetics
Classification: Likely benign for Inborn genetic diseases. Last evaluated: 2024-12-13. Review status: criteria provided, single submitter. Criteria: Ambry Variant Classification Scheme 2023. Collection method: clinical testing. Allele origin: germline.

Institute for Clinical Genetics, University Hospital TU Dresden, University Hospital TU Dresden
Classification: Uncertain significance. Last evaluated: 2021-11-03. Review status: criteria provided, single submitter. Criteria: ACMG Guidelines, 2015. Collection method: clinical testing. Allele origin: germline.

Breakthrough Genomics
Classification: Uncertain significance. Review status: criteria provided, single submitter. Criteria: ACMG Guidelines, 2015. Collection method: not provided. Allele origin: germline. Inheritance: Autosomal recessive inheritance. Affected: yes.